The following is an entry in ClinVar:

NM_003803.4(MYOM1):c.851G>A (p.Arg284His)

Gene: MYOM1 (myomesin 1; minus strand). Cytogenetic location: 18p11.31.
Variant type: single nucleotide variant.
Coding change: c.851G>A on transcript NM_003803.4 (MANE Select); coding-DNA position 851, G replaced by A.
Protein change: p.Arg284His; replaces arginine 284 with histidine.
Molecular consequence: missense variant.
Genome position (GRCh38, 1-based): chr18:3,187,558, C>T on the plus strand (G>A on the coding strand, the complement: MYOM1 is on the minus strand). VCF-style: chr18-3187558-C-T. GRCh37 (hg19) VCF-style: chr18-3187556-C-T.
Other names: c.851G>A, p.Arg284His (NM_019856.2); short protein forms R284H.
Identifiers: ClinVar variation 1763715 (VCV001763715.7), dbSNP rs766034516, ClinGen allele CA8875140.

ClinVar aggregate classification (germline): Uncertain significance. Review status: criteria provided, multiple submitters, no conflicts (2 of 4 stars). 2 submissions from 2 submitters: Uncertain significance (2). Last evaluated 2025-08-29.

Conditions:
Hypertrophic cardiomyopathy. Also called: HYPERTROPHIC MYOCARDIOPATHY. Identifiers: Orphanet 217569, MedGen C0007194, MeSH D002312, MONDO:0005045, HP:0001639.

Allele frequency attached by ClinVar (database versions not stated): ExAC 0.00003; gnomAD exomes 0.00001; gnomAD 0.00003; TOPMed 0.00006.
gnomAD v4.1: 20 of 1,613,728 alleles (0.0012%); highest among the groups gnomAD compares: East Asian, 0.0067%; no homozygotes.

Submissions (2):

Ambry Genetics
Classification: Uncertain significance. Last evaluated: 2025-08-29. Review status: criteria provided, single submitter. Criteria: Ambry Variant Classification Scheme 2023. Collection method: clinical testing. Allele origin: germline.

Labcorp Genetics (formerly Invitae), Labcorp
Classification: Uncertain significance for Hypertrophic cardiomyopathy. Last evaluated: 2025-07-13. Review status: criteria provided, single submitter. Criteria: Invitae Variant Classification Sherloc (09022015). Collection method: clinical testing. Allele origin: germline.
Comment: This sequence change replaces arginine, which is basic and polar, with histidine, which is basic and polar, at codon 284 of the MYOM1 protein (p.Arg284His). This variant is present in population databases (rs766034516, gnomAD 0.02%). This variant has not been reported in the literature in individuals affected with MYOM1-related conditions. ClinVar contains an entry for this variant (Variation ID: 1763715). Invitae Evidence Modeling of protein sequence and biophysical properties (such as structural, functional, and spatial information, amino acid conservation, physicochemical variation, residue mobility, and thermodynamic stability) has been performed for this missense variant. However, the output from this modeling did not meet the statistical confidence thresholds required to predict the impact of this variant on MYOM1 protein function. In summary, the available evidence is currently insufficient to determine the role of this variant in disease. Therefore, it has been classified as a Variant of Uncertain Significance.